The following is an entry in ClinVar:

ClinVar aggregate classification (germline): Uncertain significance (1 of 4 stars; one submission).

Conditions:
Cardiomyopathy (CMYO). Also called: Cardiomyopathies. Identifiers: Orphanet 167848, MedGen C0878544, MONDO:0004994, HP:0001638. Inheritance: Various modes of inheritance.

Submission:

Color Diagnostics, LLC DBA Color Health
Classification: Uncertain significance for Cardiomyopathy. Last evaluated: 2024-03-07. Review status: criteria provided, single submitter. Criteria: ACMG Guidelines, 2015. Collection method: clinical testing. Allele origin: germline.
Comment: This missense variant replaces glutamic acid with lysine at codon 2438 of the DSP protein. Computational prediction suggests that this variant may not impact protein structure and function (internally defined REVEL score threshold <= 0.5, PMID: 27666373). To our knowledge, functional studies have not been reported for this variant. This variant has not been reported in individuals affected with cardiovascular disorders in the literature. This variant has not been identified in the general population by the Genome Aggregation Database (gnomAD). The available evidence is insufficient to determine the role of this variant in disease conclusively. Therefore, this variant is classified as a Variant of Uncertain Significance.

NM_004415.4(DSP):c.7312G>A (p.Glu2438Lys)

Gene: DSP (desmoplakin; plus strand). Cytogenetic location: 6p24.3.
Variant type: single nucleotide variant.
Coding change: c.7312G>A on transcript NM_004415.4 (MANE Select); coding-DNA position 7312, G replaced by A.
Protein change: p.Glu2438Lys; replaces glutamic acid 2438 with lysine.
Molecular consequence: missense variant.
Genome position (GRCh38, 1-based): chr6:7,584,574, G>A. VCF-style: chr6-7584574-G-A. GRCh37 (hg19) VCF-style: chr6-7584807-G-A.
Other names: c.5515G>A, p.Glu1839Lys (NM_001008844.3); c.5983G>A, p.Glu1995Lys (NM_001319034.2); short protein forms E2438K, E1839K, E1995K.
Identifiers: ClinVar variation 922391 (VCV000922391.4), dbSNP rs1759566407, ClinGen allele CA362692723.